The following is an entry in ClinVar:

NM_000264.5(PTCH1):c.2275G>A (p.Gly759Ser)

Genes: PTCH1 (patched 1; minus strand), LOC100507346 (uncharacterized LOC100507346; plus strand). Cytogenetic location: 9q22.32.
Variant type: single nucleotide variant.
Coding change: c.2275G>A on transcript NM_000264.5 (MANE Select); coding-DNA position 2275, G replaced by A.
Protein change: p.Gly759Ser; replaces glycine 759 with serine.
Molecular consequence: missense variant. On other transcripts: non-coding transcript variant (1).
Genome position (GRCh38, 1-based): chr9:95,467,401, C>T on the plus strand (G>A on the coding strand, the complement: PTCH1 is on the minus strand). VCF-style: chr9-95467401-C-T. GRCh37 (hg19) VCF-style: chr9-98229683-C-T.
Other names: c.2077G>A, p.Gly693Ser (NM_001083602.3); c.2272G>A, p.Gly758Ser (NM_001083603.3); c.1822G>A, p.Gly608Ser (NM_001083604.3, NM_001083605.3, NM_001083606.3 and 1 more transcripts); c.2119G>A, p.Gly707Ser (NM_001354918.2); short protein forms G759S, G608S, G693S, G758S, G707S.
Identifiers: ClinVar variation 820933 (VCV000820933.4), dbSNP rs1588569587, ClinGen allele CA374114722.
Genomic context (GRCh38, chr9:95,467,401, plus strand): 5'-CCGTAAGGTCCAGCCCGTCTCTCACTCGGGTGGTGCCATAAAGGCTGACCCCCAGCAAGC[C>T]CAGAAAAAGGAAGATCACCACTACCTGGAACAGAAGAGGCACAAGGTCAGACCCCAGGGA-3'
Protein context (NP_000255.2, residues 749-769): AKVVVIFLFL[Gly759Ser]LLGVSLYGTT

ClinVar aggregate classification (germline): Uncertain significance (1 of 4 stars; one submission).

Conditions:
Hereditary cancer-predisposing syndrome. Also called: Neoplastic Syndromes, Hereditary; Tumor predisposition; Hereditary Cancer Syndrome; Hereditary neoplastic syndrome. Identifiers: Orphanet 140162, MedGen C0027672, MeSH D009386, MONDO:0015356.

Submission:

Ambry Genetics
Classification: Uncertain significance for Hereditary cancer-predisposing syndrome. Last evaluated: 2018-10-18. Review status: criteria provided, single submitter. Criteria: Ambry Variant Classification Scheme 2023. Collection method: clinical testing. Allele origin: germline.
Comment: The p.G759S variant (also known as c.2275G>A), located in coding exon 15 of the PTCH1 gene, results from a G to A substitution at nucleotide position 2275. The glycine at codon 759 is replaced by serine, an amino acid with similar properties. This amino acid position is not well conserved in available vertebrate species. In addition, the in silico prediction for this alteration is inconclusive. Since supporting evidence is limited at this time, the clinical significance of this alteration remains unclear.